The following is an entry in ClinVar:

NM_000416.3(IFNGR1):c.181G>A (p.Val61Ile)

Gene: IFNGR1 (interferon gamma receptor 1; minus strand). Cytogenetic location: 6q23.3.
Variant type: single nucleotide variant.
Coding change: c.181G>A on transcript NM_000416.3 (MANE Select); coding-DNA position 181, G replaced by A.
Protein change: p.Val61Ile; replaces valine 61 with isoleucine.
Molecular consequence: missense variant.
Genome position (GRCh38, 1-based): chr6:137,206,982, C>T on the plus strand (G>A on the coding strand, the complement: IFNGR1 is on the minus strand). VCF-style: chr6-137206982-C-T. GRCh37 (hg19) VCF-style: chr6-137528119-C-T.
Other names: c.151G>A, p.Val51Ile (NM_001363526.1); c.58G>A, p.Val20Ile (NM_001363527.1); short protein forms V61I, V20I, V51I.
Identifiers: ClinVar variation 531675 (VCV000531675.18), dbSNP rs17175322, ClinGen allele CA4019032.

ClinVar aggregate classification (germline): Benign/Likely benign. Review status: criteria provided, multiple submitters, no conflicts (2 of 4 stars). 4 submissions from 4 submitters: Benign (1); Likely benign (2). 1 of the submissions does not count toward it. Last evaluated 2026-01-24.

Conditions:
Disseminated atypical mycobacterial infection. Identifiers: MedGen C0694566.
IFNGR1-related disorder. Also called: IFNGR1-related condition.
Immunodeficiency 27A (IMD27A). Also called: IMMUNODEFICIENCY 27A, MYCOBACTERIOSIS, AUTOSOMAL RECESSIVE; IFNGR1 DEFICIENCY, AUTOSOMAL RECESSIVE. Identifiers: Orphanet 319569, Orphanet 99898, MedGen C4011949, MONDO:0008856, OMIM 209950.

Allele frequency attached by ClinVar (database versions not stated): gnomAD exomes 0.00038 and 0.00075; ExAC 0.00092; 1000 Genomes Project 0.00180; 1000 Genomes Project 30x 0.00203; gnomAD 0.00253 and 0.00277; ESP Exome Variant Server 0.00300; TOPMed 0.00306.
gnomAD v4.1: 940 of 1,607,632 alleles (0.058%); highest among the groups gnomAD compares: African/African-American, 0.87%; 2 homozygotes.

Submissions (4):

Labcorp Genetics (formerly Invitae), Labcorp
Classification: Benign for Disseminated atypical mycobacterial infection. Last evaluated: 2026-01-24. Review status: criteria provided, single submitter. Criteria: Invitae Variant Classification Sherloc (09022015). Collection method: clinical testing. Allele origin: germline.

Blueprint Genetics
Classification: Likely benign. Last evaluated: 2024-10-02. Review status: criteria provided, single submitter. Criteria: ACMG Guidelines, 2015. Collection method: clinical testing. Allele origin: germline.

Illumina Laboratory Services, Illumina
Classification: Likely benign for Immunodeficiency 27A. Last evaluated: 2018-01-13. Review status: criteria provided, single submitter. Criteria: ICSL Variant Classification Criteria 13 December 2019. Collection method: clinical testing. Allele origin: germline.
Comment: This variant was observed in the ICSL laboratory as part of a predisposition screen in an ostensibly healthy population. It had not been previously curated by ICSL or reported in the Human Gene Mutation Database (HGMD: prior to June 1st, 2018), and was therefore a candidate for classification through an automated scoring system. Utilizing variant allele frequency, disease prevalence and penetrance estimates, and inheritance mode, an automated score was calculated to assess if this variant is too frequent to cause the disease. Based on the score and internal cut-off values, a variant classified as likely benign is not then subjected to further curation. The score for this variant resulted in a classification of likely benign for this disease.

PreventionGenetics, part of Exact Sciences
Classification: Benign for IFNGR1-related condition. Last evaluated: 2019-07-08. Review status: no assertion criteria provided. Collection method: clinical testing. Allele origin: germline. Not counted in ClinVar's aggregate classification.
Comment: This variant is classified as benign based on ACMG/AMP sequence variant interpretation guidelines (Richards et al. 2015 PMID: 25741868, with internal and published modifications).